The following is an entry in ClinVar:

ClinVar aggregate classification (germline): Uncertain significance. Review status: criteria provided, multiple submitters, no conflicts (2 of 4 stars). 2 submissions from 2 submitters: Uncertain significance (2). Last evaluated 2023-11-27.

Conditions:
Alstrom syndrome (ALMS). Identifiers: Orphanet 64, MedGen C0268425, MONDO:0008763, OMIM 203800.

Submissions (2):

Labcorp Genetics (formerly Invitae), Labcorp
Classification: Uncertain significance for Alstrom syndrome. Last evaluated: 2023-11-27. Review status: criteria provided, single submitter. Criteria: Invitae Variant Classification Sherloc (09022015). Collection method: clinical testing. Allele origin: germline.
Comment: This sequence change replaces glutamine, which is neutral and polar, with histidine, which is basic and polar, at codon 3610 of the ALMS1 protein (p.Gln3610His). This variant is not present in population databases (gnomAD no frequency). This variant has not been reported in the literature in individuals affected with ALMS1-related conditions. ClinVar contains an entry for this variant (Variation ID: 1698643). Experimental studies and prediction algorithms are not available or were not evaluated, and the functional significance of this variant is currently unknown. In summary, the available evidence is currently insufficient to determine the role of this variant in disease. Therefore, it has been classified as a Variant of Uncertain Significance.

Women's Health and Genetics/Laboratory Corporation of America, LabCorp
Classification: Uncertain significance. Last evaluated: 2022-06-27. Review status: criteria provided, single submitter. Criteria: LabCorp Variant Classification Summary - May 2015. Collection method: clinical testing. Allele origin: germline.
Comment: Variant summary: ALMS1 c.10824G>C (p.Gln3608His) results in a non-conservative amino acid change in the encoded protein sequence. Three of five in-silico tools predict a damaging effect of the variant on protein function. The variant was absent in 248726 control chromosomes. The available data on variant occurrences in the general population are insufficient to allow any conclusion about variant significance. To our knowledge, no occurrence of c.10824G>C in individuals affected with Alstrom Syndrome With Dilated Cardiomyopathy and no experimental evidence demonstrating its impact on protein function have been reported. No clinical diagnostic laboratories have submitted clinical-significance assessments for this variant to ClinVar after 2014. Based on the evidence outlined above, the variant was classified as uncertain significance.

NM_001378454.1(ALMS1):c.10827G>C (p.Gln3609His)

Gene: ALMS1 (ALMS1 centrosome and basal body associated protein; plus strand). Cytogenetic location: 2p13.1.
Variant type: single nucleotide variant.
Coding change: c.10827G>C on transcript NM_001378454.1 (MANE Select); coding-DNA position 10827, G replaced by C.
Protein change: p.Gln3609His; replaces glutamine 3609 with histidine.
Molecular consequence: missense variant.
Genome position (GRCh38, 1-based): chr2:73,572,704, G>C. VCF-style: chr2-73572704-G-C. GRCh37 (hg19) VCF-style: chr2-73799831-G-C.
Other names: c.10830G>C, p.Gln3610His (NM_015120.4); short protein forms Q3609H, Q3610H.
Identifiers: ClinVar variation 1698643 (VCV001698643.5), dbSNP rs2104105279, ClinGen allele CA347285726.